The following is an entry in ClinVar:

ClinVar aggregate classification (germline): Uncertain significance (1 of 4 stars; one submission).

Submission:

Dasa
Classification: Uncertain significance. Last evaluated: 2025-11-06. Review status: criteria provided, single submitter. Criteria: DASA Assertion Criteria. Collection method: clinical testing. Allele origin: germline.
Comment: NM_003079.5(SMARCE1):c.511A>T (p.Met171Leu) is a missense variant that results in the substitution of methionine with leucine. This variant is absent from population databases. Computational prediction algorithms are consistent with a benign effect. The currently available literature and clinical evidence are not sufficient to establish a definitive association between this variant and the reported condition. Therefore, this variant is classified as a variant of uncertain significance.

NM_003079.5(SMARCE1):c.511A>T (p.Met171Leu)

Gene: SMARCE1 (SWI/SNF related BAF chromatin remodeling complex subunit E1; minus strand). Cytogenetic location: 17q21.2.
Variant type: single nucleotide variant.
Coding change: c.511A>T on transcript NM_003079.5 (MANE Select); coding-DNA position 511, A replaced by T.
Protein change: p.Met171Leu; replaces methionine 171 with leucine.
Molecular consequence: missense variant.
Genome position (GRCh38, 1-based): chr17:40,635,961, T>A on the plus strand (A>T on the coding strand, the complement: SMARCE1 is on the minus strand). VCF-style: chr17-40635961-T-A. GRCh37 (hg19) VCF-style: chr17-38792213-T-A.
Other names: short protein forms M171L.
Identifiers: ClinVar variation 4852708 (VCV004852708.2).